The following is an entry in ClinVar:

ClinVar aggregate classification (germline): Uncertain significance (1 of 4 stars; one submission).

Conditions:
Fanconi anemia (FA). Also called: Fanconi's anemia. Identifiers: Orphanet 84, MedGen C0015625, MeSH D005199, MONDO:0019391.

Submission:

Labcorp Genetics (formerly Invitae), Labcorp
Classification: Uncertain significance for Fanconi anemia. Last evaluated: 2020-01-31. Review status: criteria provided, single submitter. Criteria: Invitae Variant Classification Sherloc (09022015). Collection method: clinical testing. Allele origin: germline.
Comment: In summary, the available evidence is currently insufficient to determine the role of this variant in disease. Therefore, it has been classified as a Variant of Uncertain Significance. Algorithms developed to predict the effect of missense changes on protein structure and function (SIFT, PolyPhen-2, Align-GVGD) all suggest that this variant is likely to be tolerated, but these predictions have not been confirmed by published functional studies and their clinical significance is uncertain. This variant has not been reported in the literature in individuals with FANCB-related conditions. This variant is not present in population databases (ExAC no frequency). This sequence change replaces histidine with proline at codon 568 of the FANCB protein (p.His568Pro). The histidine residue is weakly conserved and there is a moderate physicochemical difference between histidine and proline.

NM_001018113.3(FANCB):c.1703A>C (p.His568Pro)

Gene: FANCB (FA complementation group B; minus strand). Cytogenetic location: Xp22.2.
Variant type: single nucleotide variant.
Coding change: c.1703A>C on transcript NM_001018113.3 (MANE Select); coding-DNA position 1703, A replaced by C.
Protein change: p.His568Pro; replaces histidine 568 with proline.
Molecular consequence: missense variant.
Genome position (GRCh38, 1-based): chrX:14,845,080, T>G on the plus strand (A>C on the coding strand, the complement: FANCB is on the minus strand). VCF-style: chrX-14845080-T-G. GRCh37 (hg19) VCF-style: chrX-14863202-T-G.
Other names: c.1703A>C, p.His568Pro (NM_001324162.2, NM_152633.4); short protein forms H568P.
Identifiers: ClinVar variation 1057029 (VCV001057029.9), dbSNP rs2092370560, ClinGen allele CA412439809.